The following is an entry in ClinVar:

NM_001365536.1(SCN9A):c.58C>T (p.Leu20Phe)

Gene: SCN9A (sodium voltage-gated channel alpha subunit 9; minus strand). Cytogenetic location: 2q24.3.
Variant type: single nucleotide variant.
Coding change: c.58C>T on transcript NM_001365536.1 (MANE Select); coding-DNA position 58, C replaced by T.
Protein change: p.Leu20Phe; replaces leucine 20 with phenylalanine.
Molecular consequence: missense variant.
Genome position (GRCh38, 1-based): chr2:166,311,699, G>A on the plus strand (C>T on the coding strand, the complement: SCN9A is on the minus strand). VCF-style: chr2-166311699-G-A. GRCh37 (hg19) VCF-style: chr2-167168209-G-A.
Other names: c.58C>T, p.Leu20Phe (NM_002977.4); short protein forms L20F.
Identifiers: ClinVar variation 471158 (VCV000471158.10), dbSNP rs200056934, ClinGen allele CA1944898.

ClinVar aggregate classification (germline): Uncertain significance. Review status: criteria provided, multiple submitters, no conflicts (2 of 4 stars). 2 submissions from 2 submitters: Uncertain significance (2). Last evaluated 2026-04-06.

Conditions:
Inborn genetic diseases. Identifiers: MedGen C0950123, MeSH D030342.
Neuropathy, hereditary sensory and autonomic, type 2A (HSAN2A). Also called: HSAN IIA; WNK1-Related HSAN2 (HSAN2A); MORVAN DISEASE; NEUROPATHY, CONGENITAL SENSORY; NEUROPATHY, HEREDITARY SENSORY RADICULAR, AUTOSOMAL RECESSIVE; NEUROPATHY, HEREDITARY SENSORY, TYPE IIA. Identifiers: Orphanet 970, MedGen C2752089, MONDO:0024309, OMIM 201300.
Generalized epilepsy with febrile seizures plus, type 7 (GEFSP7). Also called: GEFS+, TYPE 7. Identifiers: Orphanet 36387, MedGen C2751778, MONDO:0013470, OMIM 613863.

Allele frequency attached by ClinVar (database versions not stated): gnomAD 0.00001; gnomAD exomes 0.00001 and 0.00002; TOPMed 0.00001; ExAC 0.00001.
gnomAD v4.1: 21 of 1,612,786 alleles (0.0013%); highest among the groups gnomAD compares: Non-Finnish European, 0.0018%; no homozygotes.

Submissions (2):

Ambry Genetics
Classification: Uncertain significance for Inborn genetic diseases. Last evaluated: 2026-04-06. Review status: criteria provided, single submitter. Criteria: Ambry Variant Classification Scheme 2023. Collection method: clinical testing. Allele origin: germline.

Labcorp Genetics (formerly Invitae), Labcorp
Classification: Uncertain significance for Neuropathy, hereditary sensory and autonomic, type 2A; Generalized epilepsy with febrile seizures plus, type 7. Last evaluated: 2023-08-04. Review status: criteria provided, single submitter. Criteria: Invitae Variant Classification Sherloc (09022015). Collection method: clinical testing. Allele origin: germline.
Comment: This sequence change replaces leucine, which is neutral and non-polar, with phenylalanine, which is neutral and non-polar, at codon 20 of the SCN9A protein (p.Leu20Phe). This variant is present in population databases (rs200056934, gnomAD 0.005%). This variant has not been reported in the literature in individuals affected with SCN9A-related conditions. ClinVar contains an entry for this variant (Variation ID: 471158). Advanced modeling of protein sequence and biophysical properties (such as structural, functional, and spatial information, amino acid conservation, physicochemical variation, residue mobility, and thermodynamic stability) has been performed at Invitae for this missense variant, however the output from this modeling did not meet the statistical confidence thresholds required to predict the impact of this variant on SCN9A protein function. In summary, the available evidence is currently insufficient to determine the role of this variant in disease. Therefore, it has been classified as a Variant of Uncertain Significance.